The following is an entry in ClinVar:

ClinVar aggregate classification (germline): Conflicting classifications of pathogenicity. Review status: criteria provided, conflicting classifications (1 of 4 stars). 9 submissions from 9 submitters: Uncertain significance (1); Benign (1); Likely benign (7). Last evaluated 2026-08-01.

Conditions:
Cardiovascular phenotype. Identifiers: MedGen CN230736.
Cardiomyopathy (CMYO). Also called: Cardiomyopathies. Identifiers: Orphanet 167848, MedGen C0878544, MONDO:0004994, HP:0001638. Inheritance: Various modes of inheritance.
Arrhythmogenic right ventricular dysplasia 10. Also called: Arrhythmogenic right ventricular dysplasia/cardiomyopathy, type 10; Arrhythmogenic Right Ventricular Dysplasia/Cardiomyopathy10; ARRHYTHMOGENIC RIGHT VENTRICULAR DYSPLASIA, FAMILIAL, 10. Identifiers: MedGen C1857777, MONDO:0012434, OMIM 610193.

Allele frequency attached by ClinVar (database versions not stated): gnomAD exomes 0.00010 and 0.00053; 1000 Genomes Project 0.00020; gnomAD 0.00007; ExAC 0.00046; 1000 Genomes Project 30x 0.00031; TOPMed 0.00022.

Submissions (9):

CeGaT Center for Human Genetics Tuebingen
Classification: Likely benign. Last evaluated: 2026-08-01. Review status: criteria provided, single submitter. Criteria: CeGaT Center For Human Genetics Tuebingen Variant Classification Criteria Version 2. Collection method: clinical testing. Allele origin: germline. Affected: yes. Observed: 4 variant alleles.
Comment: DSG2: BP4, BS2

Labcorp Genetics (formerly Invitae), Labcorp
Classification: Benign for Arrhythmogenic right ventricular dysplasia 10. Last evaluated: 2026-01-23. Review status: criteria provided, single submitter. Criteria: Invitae Variant Classification Sherloc (09022015). Collection method: clinical testing. Allele origin: germline.

Women's Health and Genetics/Laboratory Corporation of America, LabCorp
Classification: Likely benign. Last evaluated: 2023-08-19. Review status: criteria provided, single submitter. Criteria: LabCorp Variant Classification Summary - May 2015. Collection method: clinical testing. Allele origin: germline.

ARUP Laboratories, Molecular Genetics and Genomics, ARUP Laboratories
Classification: Likely benign. Last evaluated: 2022-12-01. Review status: criteria provided, single submitter. Criteria: ARUP Molecular Germline Variant Investigation Process 2024. Collection method: clinical testing. Allele origin: germline.

GeneDx
Classification: Likely benign. Last evaluated: 2019-01-10. Review status: criteria provided, single submitter. Criteria: GeneDx Variant Classification Process June 2021. Collection method: clinical testing. Allele origin: germline. Affected: yes.

Color Diagnostics, LLC DBA Color Health
Classification: Likely benign for Cardiomyopathy. Last evaluated: 2018-07-02. Review status: criteria provided, single submitter. Criteria: ACMG Guidelines, 2015. Collection method: clinical testing. Allele origin: germline.

Laboratory for Molecular Medicine, Mass General Brigham Personalized Medicine
Classification: Likely benign. Last evaluated: 2018-04-10. Review status: criteria provided, single submitter. Criteria: LMM Criteria. Collection method: clinical testing. Allele origin: germline. Observed: 1 variant allele.
Comment: proposed classification - variant undergoing re-assessment, contact laboratory

Eurofins Ntd Llc (ga)
Classification: Uncertain significance. Last evaluated: 2017-05-02. Review status: criteria provided, single submitter. Criteria: EGL Classification Definitions 2015. Collection method: clinical testing. Allele origin: germline. Observed: 1 variant allele, 1 heterozygote.

Ambry Genetics
Classification: Likely benign for Cardiovascular phenotype. Last evaluated: 2016-09-26. Review status: criteria provided, single submitter. Criteria: Ambry Variant Classification Scheme 2023. Collection method: clinical testing. Allele origin: germline.

NM_001943.5(DSG2):c.3244C>G (p.Pro1082Ala)

Genes: DSG2 (desmoglein 2; plus strand), DSG2-AS1 (DSG2 antisense RNA 1; minus strand). Cytogenetic location: 18q12.1.
Variant type: single nucleotide variant.
Coding change: c.3244C>G on transcript NM_001943.5 (MANE Select); coding-DNA position 3244, C replaced by G.
Protein change: p.Pro1082Ala; replaces proline 1082 with alanine.
Molecular consequence: missense variant.
Genome position (GRCh38, 1-based): chr18:31,546,630, C>G. VCF-style: chr18-31546630-C-G. GRCh37 (hg19) VCF-style: chr18-29126593-C-G.
Other names: short protein forms P1082A.
Identifiers: ClinVar variation 44313 (VCV000044313.29), dbSNP rs191300661, ClinGen allele CA022035.
Genomic context (GRCh38, chr18:31,546,630, plus strand): 5'-CAGATTCCCACTGAAAATTCTATGACGGCTAGGAACACCACGGTGTCTGGAGCTGGAGTC[C>G]CTGGCCCTCTGCCAGATTTTGGTTTAGAGGAATCTGGTCATTCTAATTCTACCATAACCA-3'
Protein context (NP_001934.2, residues 1072-1092): RNTTVSGAGV[Pro1082Ala]GPLPDFGLEE